The following is an entry in ClinVar:

NM_003743.5(NCOA1):c.1161T>C (p.Asn387=)

Gene: NCOA1 (nuclear receptor coactivator 1; plus strand). Cytogenetic location: 2p23.3.
Variant type: single nucleotide variant.
Coding change: c.1161T>C on transcript NM_003743.5 (MANE Select); coding-DNA position 1161, T replaced by C.
Protein change: p.Asn387=; no amino-acid change (asparagine 387 retained).
Molecular consequence: synonymous variant.
Genome position (GRCh38, 1-based): chr2:24,706,631, T>C. VCF-style: chr2-24706631-T-C. GRCh37 (hg19) VCF-style: chr2-24929500-T-C.
Other names: c.1161T>C, p.Asn387= (NM_001362950.1, NM_001362952.1, NM_001362954.1 and 3 more transcripts).
Identifiers: ClinVar variation 3045189 (VCV003045189.2), dbSNP rs764634327, ClinGen allele CA1552198.

ClinVar aggregate classification (germline): Likely benign (0 of 4 stars; one submission).

Conditions:
NCOA1-related disorder. Also called: NCOA1-related condition.

Allele frequency attached by ClinVar (database versions not stated): gnomAD exomes below 0.00001; TOPMed below 0.00001; ExAC 0.00001.
gnomAD v4.1: 3 of 1,614,124 alleles (0.00019%); highest among the groups gnomAD compares: Admixed American, 0.0017%; no homozygotes.

Submission:

PreventionGenetics, part of Exact Sciences
Classification: Likely benign for NCOA1-related condition. Last evaluated: 2020-09-09. Review status: no assertion criteria provided. Collection method: clinical testing. Allele origin: germline.
Comment: This variant is classified as likely benign based on ACMG/AMP sequence variant interpretation guidelines (Richards et al. 2015 PMID: 25741868, with internal and published modifications).